The following is an entry in ClinVar:

ClinVar aggregate classification (germline): Uncertain significance (1 of 4 stars; one submission).

Allele frequency attached by ClinVar (database versions not stated): gnomAD 0.00001; TOPMed 0.00001.
gnomAD v4.1: 2 of 1,597,302 alleles (0.00013%); highest among the groups gnomAD compares: African/African-American, 0.0013%; no homozygotes.

Submission:

GeneDx
Classification: Uncertain significance. Last evaluated: 2014-12-22. Review status: criteria provided, single submitter. Criteria: GeneDx Variant Classification (06012015). Collection method: clinical testing. Allele origin: germline. Affected: yes.
Comment: p.Ala107Thr (GCC>ACC): c.319 G>A in exon 1 of the NHLRC1 gene (NM_198586.2) A variant of unknown significance has been identified in the NHLRC1 gene. The A107T variant has not been published as a mutation, nor has it been reported as a benign polymorphism to our knowledge. It was not observed in approximately 6,400 individuals of European and African American ancestry in the NHLBI Exome Sequencing Project, indicating it is not a common benign variant in these populations. The A107T variant is a non-conservative amino acid substitution, which is likely to impact secondary protein structure as these residues differ in polarity, charge, size and/or other properties. However, this substitution occurs at a position that is not conserved across species, and threonine is observed at the same position in another mammal. In silico analysis predicts this variant likely does not alter the protein structure/function. Therefore, based on the currently available information, it is unclear whether this variant is a pathogenic mutation or a rare benign variant. The variant is found in PME-EPIV2-1 panel(s).

NM_198586.3(NHLRC1):c.319G>A (p.Ala107Thr)

Gene: NHLRC1 (NHL repeat containing E3 ubiquitin protein ligase 1; minus strand). Cytogenetic location: 6p22.3.
Variant type: single nucleotide variant.
Coding change: c.319G>A on transcript NM_198586.3 (MANE Select); coding-DNA position 319, G replaced by A.
Protein change: p.Ala107Thr; replaces alanine 107 with threonine.
Molecular consequence: missense variant.
Genome position (GRCh38, 1-based): chr6:18,122,288, C>T on the plus strand (G>A on the coding strand, the complement: NHLRC1 is on the minus strand). VCF-style: chr6-18122288-C-T. GRCh37 (hg19) VCF-style: chr6-18122519-C-T.
Other names: p.A107T:GCC>ACC; short protein forms A107T.
Identifiers: ClinVar variation 206186 (VCV000206186.2), dbSNP rs796052755, ClinGen allele CA316029.